The following is an entry in ClinVar:

ClinVar aggregate classification (germline): Uncertain significance (1 of 4 stars; one submission).

Conditions:
Early-infantile DEE. Also called: Early infantile epileptic encephalopathy; Ohtahara syndrome; Early infantile epileptic encephalopathy with suppression bursts. Identifiers: Orphanet 1934, MedGen C0393706, MONDO:0800491.

Allele frequency attached by ClinVar (database versions not stated): gnomAD 0.00001; TOPMed 0.00001.
gnomAD v4.1: 1 of 151,210 alleles (0.00066%); highest among the groups gnomAD compares: Non-Finnish European, 0.0015%; no homozygotes.

Submission:

Labcorp Genetics (formerly Invitae), Labcorp
Classification: Uncertain significance for Early-infantile DEE. Last evaluated: 2024-05-15. Review status: criteria provided, single submitter. Criteria: Invitae Variant Classification Sherloc (09022015). Collection method: clinical testing. Allele origin: germline.
Comment: This sequence change falls in intron 20 of the SCN1A gene. It does not directly change the encoded amino acid sequence of the SCN1A protein. However, this sequence change falls within a region encompassing a cryptic exon in the SCN1A gene, in which variants have been shown to alter splicing (PMID: 30526861, 34107977). This variant is not present in population databases (gnomAD no frequency). This variant has not been reported in the literature in individuals affected with SCN1A-related conditions. ClinVar contains an entry for this variant (Variation ID: 2115537). Algorithms developed to predict the effect of sequence changes on RNA splicing suggest that this variant is not likely to affect RNA splicing. In summary, the available evidence is currently insufficient to determine the role of this variant in disease. Therefore, it has been classified as a Variant of Uncertain Significance.

Literature cited by the submitters: PubMed 30526861; PubMed 34107977.

NM_001165963.4(SCN1A):c.4002+2410T>C

Genes: SCN1A (sodium voltage-gated channel alpha subunit 1; minus strand), LOC102724058 (uncharacterized LOC102724058; plus strand). Cytogenetic location: 2q24.3.
Variant type: single nucleotide variant.
Coding change: c.4002+2410T>C on transcript NM_001165963.4 (MANE Select); 2410 bases into the intron after coding-DNA position 4002, T replaced by C.
Molecular consequence: intron variant.
Genome position (GRCh38, 1-based): chr2:166,007,309, A>G on the plus strand (T>C on the coding strand, the complement: SCN1A is on the minus strand). VCF-style: chr2-166007309-A-G. GRCh37 (hg19) VCF-style: chr2-166863819-A-G.
Other names: c.3969+2410T>C (NM_001353949.2, NM_001353950.2, NM_001353951.2 and 2 more transcripts); c.3918+2410T>C (NM_001353958.2, NM_001353957.2, NM_001165964.3); c.4002+2410T>C (NM_001202435.3, NM_001353948.2); c.3966+2410T>C (NM_001353955.2, NM_001353954.2); c.3915+2410T>C (NM_001353960.2); c.1560+2410T>C (NM_001353961.2).
Identifiers: ClinVar variation 2115537 (VCV002115537.4), dbSNP rs1381717994, ClinGen allele CA760220748.